The following is an entry in ClinVar:

ClinVar aggregate classification (germline): Conflicting classifications of pathogenicity. Review status: criteria provided, conflicting classifications (1 of 4 stars). 3 submissions from 3 submitters: Uncertain significance (2); Likely benign (1). Last evaluated 2025-10-02.

Conditions:
Blau syndrome (BLAUS). Also called: GRANULOMATOSIS, FAMILIAL JUVENILE SYSTEMIC; GRANULOMATOSIS, FAMILIAL, BLAU TYPE; GRANULOMATOUS INFLAMMATORY ARTHRITIS, DERMATITIS, AND UVEITIS, FAMILIAL; JABS SYNDROME; ARTHROCUTANEOUVEAL GRANULOMATOSIS. Identifiers: Orphanet 90340, MedGen C5201146, MONDO:0008523, OMIM 186580.
Regional enteritis. Also called: Enteritis, Granulomatous. Identifiers: MedGen C0678202, MeSH D003424.

Allele frequency attached by ClinVar (database versions not stated): gnomAD 0.00002 and 0.00004; TOPMed 0.00002; gnomAD exomes 0.00004 and 0.00008; ExAC 0.00011.
gnomAD v4.1: 63 of 1,613,948 alleles (0.0039%); highest among the groups gnomAD compares: South Asian, 0.046%; 2 homozygotes.

Submissions (3):

Labcorp Genetics (formerly Invitae), Labcorp
Classification: Likely benign for Regional enteritis; Blau syndrome. Last evaluated: 2025-10-02. Review status: criteria provided, single submitter. Criteria: Invitae Variant Classification Sherloc (09022015). Collection method: clinical testing. Allele origin: germline.

Blueprint Genetics
Classification: Uncertain significance. Last evaluated: 2019-09-05. Review status: criteria provided, single submitter. Criteria: ACMG Guidelines, 2015. Collection method: clinical testing. Allele origin: germline.

Neuberg Centre For Genomic Medicine, NCGM
Classification: Uncertain significance for Blau syndrome. Review status: criteria provided, single submitter. Criteria: ACMG Guidelines, 2015. Collection method: clinical testing. Allele origin: germline. Inheritance: Autosomal dominant inheritance. Affected: yes.
Comment: The missense variant c.133G>A (p.Glu45Lys) in NOD2 gene has not been reported previously as a pathogenic variant nor as a benign variant, to our knowledge. This variant is reported with the allele frequency (0.008%) in the gnomAD and novel in 1000 genome database. It has been submitted in ClinVar database as Uncertain significance. The amino acid Glutamic acid at position 45 is changed to a Lysine changing protein sequence and it might alter its composition and physico-chemical properties. The variant is predicted as conserved by GERP++ and PhyloP across 100 vertebrates. For these reasons, this variant has been classified as Uncertain Significance.

NM_001370466.1(NOD2):c.133G>A (p.Glu45Lys)

Gene: NOD2 (nucleotide binding oligomerization domain containing 2; plus strand). Cytogenetic location: 16q12.1.
Variant type: single nucleotide variant.
Coding change: c.133G>A on transcript NM_001370466.1 (MANE Select); coding-DNA position 133, G replaced by A.
Protein change: p.Glu45Lys; replaces glutamic acid 45 with lysine.
Molecular consequence: missense variant. On other transcripts: non-coding transcript variant (1).
Genome position (GRCh38, 1-based): chr16:50,699,628, G>A. VCF-style: chr16-50699628-G-A. GRCh37 (hg19) VCF-style: chr16-50733539-G-A.
Other names: c.133G>A, p.Glu45Lys (NM_001293557.2); c.214G>A, p.Glu72Lys (NM_022162.3); short protein forms E45K, E72K.
Identifiers: ClinVar variation 966699 (VCV000966699.11), dbSNP rs760069458, ClinGen allele CA8051221.